The following is an entry in ClinVar:

ClinVar aggregate classification (germline): Uncertain significance (1 of 4 stars; one submission).

Conditions:
Melnick-Needles syndrome (MNS). Also called: MELNICK-NEEDLES OSTEODYSPLASTY; OSTEODYSPLASTY OF MELNICK AND NEEDLES; Melnick-Needles Syndrome (FLNA-MNS). Identifiers: Orphanet 2484, MedGen C0025237, MONDO:0010650, OMIM 309350.
Frontometaphyseal dysplasia (FMD1). Identifiers: Orphanet 1826, MedGen C0265293, MONDO:0015942.
Oto-palato-digital syndrome, type II (OPD2). Also called: FACIOPALATOOSSEOUS SYNDROME; OPD II SYNDROME; Otopalatodigital Syndrome Type 2 (FLNA-OPD2); Otopalatodigital Syndrome, Type II. Identifiers: Orphanet 669, Orphanet 90652, MedGen C1844696, MONDO:0010571, OMIM 304120.
Heterotopia, periventricular, X-linked dominant (PVNH1). Also called: PERIVENTRICULAR NODULAR HETEROTOPIA 1; X-linked periventricular heterotopia; PERIVENTRICULAR NODULAR HETEROTOPIA 4; HETEROTOPIA, PERIVENTRICULAR, 1. Identifiers: Orphanet 2149, Orphanet 82004, MedGen C1848213, MONDO:0010233, OMIM 300049.

Allele frequency attached by ClinVar (database versions not stated): gnomAD exomes below 0.00001; TOPMed below 0.00001; gnomAD 0.00001.
gnomAD v4.1: 6 of 1,209,361 alleles (0.0005%); highest among the groups gnomAD compares: East Asian, 0.003%; no homozygotes.

Submission:

Labcorp Genetics (formerly Invitae), Labcorp
Classification: Uncertain significance for Oto-palato-digital syndrome, type II; Heterotopia, periventricular, X-linked dominant; Frontometaphyseal dysplasia; Melnick-Needles syndrome. Last evaluated: 2025-02-06. Review status: criteria provided, single submitter. Criteria: Invitae Variant Classification Sherloc (09022015). Collection method: clinical testing. Allele origin: germline.
Comment: This sequence change replaces serine, which is neutral and polar, with glycine, which is neutral and non-polar, at codon 1342 of the FLNA protein (p.Ser1342Gly). This variant is not present in population databases (gnomAD no frequency). This variant has not been reported in the literature in individuals affected with FLNA-related conditions. ClinVar contains an entry for this variant (Variation ID: 2416730). Invitae Evidence Modeling of protein sequence and biophysical properties (such as structural, functional, and spatial information, amino acid conservation, physicochemical variation, residue mobility, and thermodynamic stability) indicates that this missense variant is not expected to disrupt FLNA protein function with a negative predictive value of 95%. In summary, the available evidence is currently insufficient to determine the role of this variant in disease. Therefore, it has been classified as a Variant of Uncertain Significance.

NM_001110556.2(FLNA):c.4024A>G (p.Ser1342Gly)

Gene: FLNA (filamin A; minus strand). Cytogenetic location: Xq28.
Variant type: single nucleotide variant.
Coding change: c.4024A>G on transcript NM_001110556.2 (MANE Select); coding-DNA position 4024, A replaced by G.
Protein change: p.Ser1342Gly; replaces serine 1342 with glycine.
Molecular consequence: missense variant.
Genome position (GRCh38, 1-based): chrX:154,359,602, T>C on the plus strand (A>G on the coding strand, the complement: FLNA is on the minus strand). VCF-style: chrX-154359602-T-C. GRCh37 (hg19) VCF-style: chrX-153587970-T-C.
Other names: c.4024A>G, p.Ser1342Gly (NM_001456.4); short protein forms S1342G.
Identifiers: ClinVar variation 2416730 (VCV002416730.6), dbSNP rs1391931551, ClinGen allele CA415220485.